The following is an entry in ClinVar:

NM_005476.7(GNE):c.1245C>T (p.Gly415=)

Gene: GNE (glucosamine (UDP-N-acetyl)-2-epimerase/N-acetylmannosamine kinase; minus strand). Cytogenetic location: 9p13.3.
Variant type: single nucleotide variant.
Coding change: c.1245C>T on transcript NM_005476.7 (MANE Select); coding-DNA position 1245, C replaced by T.
Protein change: p.Gly415=; no amino-acid change (glycine 415 retained).
Molecular consequence: synonymous variant.
Genome position (GRCh38, 1-based): chr9:36,227,284, G>A on the plus strand (C>T on the coding strand, the complement: GNE is on the minus strand). VCF-style: chr9-36227284-G-A. GRCh37 (hg19) VCF-style: chr9-36227281-G-A.
Other names: p.Gly446=; c.1338C>T, p.Gly446= (NM_001128227.3); c.1245C>T, p.Gly415= (NM_001190383.3); c.915C>T, p.Gly305= (NM_001190384.3); c.1068C>T, p.Gly356= (NM_001190388.2, NM_001374798.1); c.1092C>T, p.Gly364= (NM_001374797.1).
Identifiers: ClinVar variation 284782 (VCV000284782.60), dbSNP rs140784655, ClinGen allele CA5056553.

ClinVar aggregate classification (germline): Likely benign. Review status: criteria provided, multiple submitters, no conflicts (2 of 4 stars). 6 submissions from 6 submitters: Likely benign (6). Last evaluated 2026-01-20.

Conditions:
Sialuria. Also called: SIALURIA, FRENCH TYPE; Sialic Acid Storage Disease. Identifiers: Orphanet 3166, MedGen C0342853, MONDO:0010028, OMIM 269921.
GNE myopathy (NM). Also called: IBM 2; Inclusion body myopathy autosomal recessive; Inclusion body myopathy quadriceps sparing; INCLUSION BODY MYOPATHY, HEREDITARY, AUTOSOMAL RECESSIVE; INCLUSION BODY MYOPATHY 2, AUTOSOMAL RECESSIVE; MYOPATHY, DISTAL, WITH OR WITHOUT RIMMED VACUOLES. Identifiers: Orphanet 602, MedGen C1853926, MONDO:0011603, OMIM 605820.

Allele frequency attached by ClinVar (database versions not stated): gnomAD exomes 0.00012 and 0.00029; ExAC 0.00029; gnomAD 0.00056 and 0.00059; 1000 Genomes Project 30x 0.00062; 1000 Genomes Project 0.00080; TOPMed 0.00080; ESP Exome Variant Server 0.00085.
gnomAD v4.1: 295 of 1,613,298 alleles (0.018%); highest among the groups gnomAD compares: African/African-American, 0.17%; no homozygotes.

Submissions (7):

Labcorp Genetics (formerly Invitae), Labcorp
Classification: Likely benign for Sialuria; GNE myopathy. Last evaluated: 2026-01-20. Review status: criteria provided, single submitter. Criteria: Invitae Variant Classification Sherloc (09022015). Collection method: clinical testing. Allele origin: germline.

Mayo Clinic Laboratories, Mayo Clinic
Classification: Likely benign. Last evaluated: 2025-05-27. Review status: criteria provided, single submitter. Criteria: ACMG Guidelines, 2015. Collection method: clinical testing. Allele origin: germline. Observed: 2 variant alleles.
Comment: BP4, BP7

Blueprint Genetics
Classification: Likely benign. Last evaluated: 2024-09-04. Review status: criteria provided, single submitter. Criteria: ACMG Guidelines, 2015. Collection method: clinical testing. Allele origin: germline.

CeGaT Center for Human Genetics Tuebingen
Classification: Likely benign. Last evaluated: 2022-11-01. Review status: criteria provided, single submitter. Criteria: CeGaT Center For Human Genetics Tuebingen Variant Classification Criteria Version 2. Collection method: clinical testing. Allele origin: germline. Affected: yes. Observed: 2 variant alleles.
Comment: GNE: BP4, BP7

GeneDx
Classification: Likely benign. Last evaluated: 2018-12-20. Review status: criteria provided, single submitter. Criteria: GeneDx Variant Classification Process June 2021. Collection method: clinical testing. Allele origin: germline. Affected: yes.

Eurofins Ntd Llc (ga)
Classification: Likely benign. Last evaluated: 2016-06-14. Review status: criteria provided, single submitter. Criteria: EGL Classification Definitions 2015. Collection method: clinical testing. Allele origin: germline. Observed: 1 variant allele, 1 heterozygote.

Dr. Peter K. Rogan Lab, Western University
No classification provided (evidence only). Condition: Uterine carcinosarcoma. Review status: no classification provided. Collection method: in vitro. Allele origin: not applicable. Functional consequence: retained intron. Not counted in ClinVar's aggregate classification.